The following is an entry in ClinVar:

NM_000218.3(KCNQ1):c.970G>C (p.Val324Leu)

Gene: KCNQ1 (potassium voltage-gated channel subfamily Q member 1; plus strand). Cytogenetic location: 11p15.5.
Variant type: single nucleotide variant.
Coding change: c.970G>C on transcript NM_000218.3 (MANE Select); coding-DNA position 970, G replaced by C.
Protein change: p.Val324Leu; replaces valine 324 with leucine.
Molecular consequence: missense variant.
Genome position (GRCh38, 1-based): chr11:2,583,483, G>C. VCF-style: chr11-2583483-G-C. GRCh37 (hg19) VCF-style: chr11-2604713-G-C.
Other names: c.970G>C, p.Val324Leu (NM_001406836.1); c.700G>C, p.Val234Leu (NM_001406837.1); c.526G>C, p.Val176Leu (NM_001406838.1); c.589G>C, p.Val197Leu (NM_181798.2); short protein forms V176L, V197L, V234L, V324L.
Identifiers: ClinVar variation 3073692 (VCV003073692.1), dbSNP rs1848536066, ClinGen allele CA379133021.

ClinVar aggregate classification (germline): Uncertain significance (1 of 4 stars; one submission).

Conditions:
Long QT syndrome (LQTS). Identifiers: MedGen C0023976, MeSH D008133, MONDO:0002442. Disease mechanism: loss of function. Inheritance: Various modes of inheritance.

gnomAD v4.1: 1 of 1,614,094 alleles (0.000062%); no homozygotes.

Submission:

All of Us Research Program, National Institutes of Health
Classification: Uncertain significance for Long QT syndrome. Last evaluated: 2023-10-06. Review status: criteria provided, single submitter. Criteria: ACMG Guidelines, 2015. Collection method: clinical testing. Allele origin: germline. Inheritance: Autosomal dominant inheritance. Observed: 1 variant allele, 1 heterozygote.
Comment: This missense variant replaces valine with leucine at codon 324 of the KCNQ1 protein. Computational prediction is inconclusive regarding the impact of this variant on protein structure and function (internally defined REVEL score threshold 0.5 < inconclusive < 0.7, PMID: 27666373). To our knowledge, functional studies have not been reported for this variant. This variant has not been reported in individuals affected with KCNQ1-related disorders in the literature. This variant has not been identified in the general population by the Genome Aggregation Database (gnomAD). The available evidence is insufficient to determine the role of this variant in disease conclusively. Therefore, this variant is classified as a Variant of Uncertain Significance.

This study involves interpretation of variants in research participants for the purpose of population health screening. Participant phenotype was not available at the time of variant classification. Additional details can be found in publication PMID: 35346344, PMCID: PMC8962531